The following is an entry in ClinVar:

NM_015338.6(ASXL1):c.3729G>C (p.Gln1243His)

Gene: ASXL1 (ASXL transcriptional regulator 1; plus strand). Cytogenetic location: 20q11.21.
Variant type: single nucleotide variant.
Coding change: c.3729G>C on transcript NM_015338.6 (MANE Select); coding-DNA position 3729, G replaced by C.
Protein change: p.Gln1243His; replaces glutamine 1243 with histidine.
Molecular consequence: missense variant.
Genome position (GRCh38, 1-based): chr20:32,436,441, G>C. VCF-style: chr20-32436441-G-C. GRCh37 (hg19) VCF-style: chr20-31024244-G-C.
Other names: c.3546G>C, p.Gln1182His (NM_001363734.1); short protein forms Q1182H, Q1243H.
Identifiers: ClinVar variation 4864247 (VCV004864247.1).

ClinVar aggregate classification (germline): Uncertain significance (1 of 4 stars; one submission).

Conditions:
Inborn genetic diseases. Identifiers: MedGen C0950123, MeSH D030342.

gnomAD v4.1: 1 of 1,614,066 alleles (0.000062%); highest among the groups gnomAD compares: East Asian, 0.0022%; no homozygotes.

Submission:

Ambry Genetics
Classification: Uncertain significance for Inborn genetic diseases. Last evaluated: 2026-04-12. Review status: criteria provided, single submitter. Criteria: Ambry Variant Classification Scheme 2023. Collection method: clinical testing. Allele origin: germline.
Comment: The p.Q1243H variant (also known as c.3729G>C), located in coding exon 13 of the ASXL1 gene, results from a G to C substitution at nucleotide position 3729. The glutamine at codon 1243 is replaced by histidine, an amino acid with highly similar properties. This amino acid position is conserved. In addition, this alteration is predicted to be tolerated by in silico analysis. Based on the available evidence, the clinical significance of this variant remains unclear.